The following is an entry in ClinVar:

NM_032590.5(KDM2B):c.3410C>T (p.Ser1137Phe)

Gene: KDM2B (lysine demethylase 2B; minus strand). Cytogenetic location: 12q24.31.
Variant type: single nucleotide variant.
Coding change: c.3410C>T on transcript NM_032590.5 (MANE Select); coding-DNA position 3410, C replaced by T.
Protein change: p.Ser1137Phe; replaces serine 1137 with phenylalanine.
Molecular consequence: missense variant.
Genome position (GRCh38, 1-based): chr12:121,441,108, G>A on the plus strand (C>T on the coding strand, the complement: KDM2B is on the minus strand). VCF-style: chr12-121441108-G-A. GRCh37 (hg19) VCF-style: chr12-121878911-G-A.
Other names: c.3203C>T, p.Ser1068Phe (NM_001005366.2); short protein forms S1068F, S1137F.
Identifiers: ClinVar variation 3533022 (VCV003533022.1).

ClinVar aggregate classification (germline): Uncertain significance (1 of 4 stars; one submission).

Conditions:
Inborn genetic diseases. Identifiers: MedGen C0950123, MeSH D030342.

Submission:

Ambry Genetics
Classification: Uncertain significance for Inborn genetic diseases. Last evaluated: 2024-09-11. Review status: criteria provided, single submitter. Criteria: Ambry Variant Classification Scheme 2023. Collection method: clinical testing. Allele origin: germline.
Comment: The c.3410C>T (p.S1137F) alteration is located in exon 20 (coding exon 20) of the KDM2B gene. This alteration results from a C to T substitution at nucleotide position 3410, causing the serine (S) at amino acid position 1137 to be replaced by a phenylalanine (F). This variant was not reported in population-based cohorts in the Genome Aggregation Database (gnomAD). This amino acid position is highly conserved in available vertebrate species. This alteration is predicted to be deleterious by in silico analysis. Based on insufficient or conflicting evidence, the clinical significance of this alteration remains unclear.